The following is an entry in ClinVar:

ClinVar aggregate classification (germline): Uncertain significance (1 of 4 stars; one submission).

Submission:

Labcorp Genetics (formerly Invitae), Labcorp
Classification: Uncertain significance. Last evaluated: 2023-10-17. Review status: criteria provided, single submitter. Criteria: Invitae Variant Classification Sherloc (09022015). Collection method: clinical testing. Allele origin: germline.
Comment: This sequence change replaces lysine, which is basic and polar, with asparagine, which is neutral and polar, at codon 376 of the KCNK4 protein (p.Lys376Asn). This variant is not present in population databases (gnomAD no frequency). This variant has not been reported in the literature in individuals affected with KCNK4-related conditions. Experimental studies and prediction algorithms are not available or were not evaluated, and the functional significance of this variant is currently unknown. In summary, the available evidence is currently insufficient to determine the role of this variant in disease. Therefore, it has been classified as a Variant of Uncertain Significance.

NM_033310.3(KCNK4):c.1128G>T (p.Lys376Asn)

Genes: KCNK4 (potassium two pore domain channel subfamily K member 4; plus strand), KCNK4-CATSPERZ (KCNK4-CATSPERZ readthrough (NMD candidate); plus strand). Cytogenetic location: 11q13.1.
Variant type: single nucleotide variant.
Coding change: c.1128G>T on transcript NM_033310.3 (MANE Select); coding-DNA position 1128, G replaced by T.
Protein change: p.Lys376Asn; replaces lysine 376 with asparagine.
Molecular consequence: missense variant. On other transcripts: non-coding transcript variant (3).
Genome position (GRCh38, 1-based): chr11:64,299,672, G>T. VCF-style: chr11-64299672-G-T. GRCh37 (hg19) VCF-style: chr11-64067144-G-T.
Other names: c.1128G>T, p.Lys376Asn (NM_001317090.2, NM_033311.1); short protein forms K376N.
Identifiers: ClinVar variation 2769268 (VCV002769268.3), dbSNP rs2034879235, ClinGen allele CA381069513.